The following is an entry in ClinVar:

NM_001267550.2(TTN):c.3157G>A (p.Glu1053Lys)

Gene: TTN (titin; minus strand). Cytogenetic location: 2q31.2.
Variant type: single nucleotide variant.
Coding change: c.3157G>A on transcript NM_001267550.2 (MANE Select); coding-DNA position 3157, G replaced by A.
Protein change: p.Glu1053Lys; replaces glutamic acid 1053 with lysine.
Molecular consequence: missense variant.
Genome position (GRCh38, 1-based): chr2:178,782,546, C>T on the plus strand (G>A on the coding strand, the complement: TTN is on the minus strand). VCF-style: chr2-178782546-C-T. GRCh37 (hg19) VCF-style: chr2-179647273-C-T.
Other names: c.3157G>A, p.Glu1053Lys (NM_001256850.1, NM_133378.4, NM_133379.5); c.3019G>A, p.Glu1007Lys (NM_133432.3, NM_133437.4, NM_003319.4); short protein forms E1007K, E1053K.
Identifiers: ClinVar variation 264052 (VCV000264052.8), dbSNP rs775979333, ClinGen allele CA10587523.

ClinVar aggregate classification (germline): Uncertain significance. Review status: criteria provided, multiple submitters, no conflicts (2 of 4 stars). 2 submissions from 2 submitters: Uncertain significance (2). Last evaluated 2022-01-24.

Conditions:
Cardiovascular phenotype. Identifiers: MedGen CN230736.

Allele frequency attached by ClinVar (database versions not stated): gnomAD 0.00001; gnomAD exomes 0.00001 and 0.00003; TOPMed 0.00001.
gnomAD v4.1: 52 of 1,613,884 alleles (0.0032%); highest among the groups gnomAD compares: Non-Finnish European, 0.0042%; no homozygotes.

Submissions (2):

Revvity Omics, Revvity
Classification: Uncertain significance. Last evaluated: 2022-01-24. Review status: criteria provided, single submitter. Criteria: ACMG Guidelines, 2015. Collection method: clinical testing. Allele origin: germline.

Ambry Genetics
Classification: Uncertain significance for Cardiovascular phenotype. Last evaluated: 2015-05-13. Review status: criteria provided, single submitter. Criteria: Ambry Variant Classification Scheme 2023. Collection method: clinical testing. Allele origin: germline.
Comment: The p.E1007K variant (also known as c.3019G>A), located in coding exon 17 of the TTN gene, results from a G to A substitution at nucleotide position 3019. The glutamic acid at codon 1007 is replaced by lysine, an amino acid with some similar properties. This variant was not reported in population based cohorts in the following databases: Database of Single Nucleotide Polymorphisms (dbSNP), NHLBI Exome Sequencing Project (ESP), and 1000 Genomes Project. In the ESP, this variant was not observed in 6503 samples (13006 alleles) with coverage at this position. This amino acid position is conserved in most available species, except megabat, opossum, and African clawed frog. In addition, this alteration is predicted to be benign and tolerated by PolyPhen and SIFT in silico analyses, respectively. Since supporting evidence is limited at this time, the clinical significance of this variant remains unclear.